The following is an entry in ClinVar:

NM_000379.4(XDH):c.3103G>A (p.Gly1035Arg)

Gene: XDH (xanthine dehydrogenase; minus strand). Cytogenetic location: 2p23.1.
Variant type: single nucleotide variant.
Coding change: c.3103G>A on transcript NM_000379.4 (MANE Select); coding-DNA position 3103, G replaced by A.
Protein change: p.Gly1035Arg; replaces glycine 1035 with arginine.
Molecular consequence: missense variant.
Genome position (GRCh38, 1-based): chr2:31,348,312, C>T on the plus strand (G>A on the coding strand, the complement: XDH is on the minus strand). VCF-style: chr2-31348312-C-T. GRCh37 (hg19) VCF-style: chr2-31571178-C-T.
Other names: short protein forms G1035R.
Identifiers: ClinVar variation 2118931 (VCV002118931.5), dbSNP rs756494399, ClinGen allele CA1598554.

ClinVar aggregate classification (germline): Uncertain significance. Review status: criteria provided, multiple submitters, no conflicts (2 of 4 stars). 2 submissions from 2 submitters: Uncertain significance (2). Last evaluated 2025-09-25.

Conditions:
Xanthinuria type II. Also called: Xanthine dehydrogenase and aldehyde oxidase combined deficiency of; XDH and AOX dual deficiency. Identifiers: Orphanet 3467, Orphanet 93602, MedGen C1863688, MONDO:0011346, OMIM 603592.
Hereditary xanthinuria type 1 (XAN1). Identifiers: Orphanet 3467, Orphanet 93601, MedGen C0268118, MONDO:0010209, OMIM 278300.

Allele frequency attached by ClinVar (database versions not stated): gnomAD exomes below 0.00001; TOPMed below 0.00001; ExAC 0.00002.
gnomAD v4.1: 6 of 1,614,046 alleles (0.00037%); highest among the groups gnomAD compares: African/African-American, 0.0027%; no homozygotes.

Submissions (2):

Human Genetics Bochum, Ruhr University Bochum
Classification: Uncertain significance for Hereditary xanthinuria type 1. Last evaluated: 2025-09-25. Review status: criteria provided, single submitter. Criteria: ACMG Guidelines, 2015. Collection method: clinical testing. Allele origin: germline. Affected: yes.
Comment: in homozygous state; ACMG criteria used to clasify this variant: PM2_SUP, PM3_SUP, PP3

Labcorp Genetics (formerly Invitae), Labcorp
Classification: Uncertain significance for Xanthinuria type II. Last evaluated: 2025-06-12. Review status: criteria provided, single submitter. Criteria: Invitae Variant Classification Sherloc (09022015). Collection method: clinical testing. Allele origin: germline.
Comment: This sequence change replaces glycine, which is neutral and non-polar, with arginine, which is basic and polar, at codon 1035 of the XDH protein (p.Gly1035Arg). This variant is present in population databases (rs756494399, gnomAD 0.01%). This variant has not been reported in the literature in individuals affected with XDH-related conditions. ClinVar contains an entry for this variant (Variation ID: 2118931). An algorithm developed to predict the effect of missense changes on protein structure and function (PolyPhen-2) suggests that this variant is likely to be disruptive. In summary, the available evidence is currently insufficient to determine the role of this variant in disease. Therefore, it has been classified as a Variant of Uncertain Significance.